The following is an entry in ClinVar:

ClinVar aggregate classification (germline): Conflicting classifications of pathogenicity. Review status: criteria provided, conflicting classifications (1 of 4 stars). 2 submissions from 2 submitters: Uncertain significance (1); Likely benign (1). Last evaluated 2025-11-21.

Conditions:
Inborn genetic diseases. Identifiers: MedGen C0950123, MeSH D030342.

Allele frequency attached by ClinVar (database versions not stated): ExAC 0.00005; ESP Exome Variant Server 0.00008; gnomAD 0.00011; TOPMed 0.00011.
gnomAD v4.1: 228 of 1,613,266 alleles (0.014%); highest among the groups gnomAD compares: Non-Finnish European, 0.018%; no homozygotes.

Submissions (2):

Dasa
Classification: Likely benign. Last evaluated: 2025-11-21. Review status: criteria provided, single submitter. Criteria: DASA Assertion Criteria. Collection method: clinical testing. Allele origin: germline.
Comment: NM_015057.5(MYCBP2):c.10662A>C (p.Glu3554Asp) is a missense variant that results in the substitution of glutamic acid with aspartic acid. Computational prediction algorithms are consistent with a benign effect. Therefore, based on the currently available evidence, this variant is classified as likely benign.

Ambry Genetics
Classification: Uncertain significance for Inborn genetic diseases. Last evaluated: 2025-06-30. Review status: criteria provided, single submitter. Criteria: Ambry Variant Classification Scheme 2023. Collection method: clinical testing. Allele origin: germline.

NM_015057.5(MYCBP2):c.10662A>C (p.Glu3554Asp)

Gene: MYCBP2 (MYC binding protein 2; minus strand). Cytogenetic location: 13q22.3.
Variant type: single nucleotide variant.
Coding change: c.10662A>C on transcript NM_015057.5 (MANE Select); coding-DNA position 10662, A replaced by C.
Protein change: p.Glu3554Asp; replaces glutamic acid 3554 with aspartic acid.
Molecular consequence: missense variant.
Genome position (GRCh38, 1-based): chr13:77,088,895, T>G on the plus strand (A>C on the coding strand, the complement: MYCBP2 is on the minus strand). VCF-style: chr13-77088895-T-G. GRCh37 (hg19) VCF-style: chr13-77663030-T-G.
Other names: short protein forms E3554D.
Identifiers: ClinVar variation 2387993 (VCV002387993.5), dbSNP rs149657232, ClinGen allele CA7008294.